The following is an entry in ClinVar:

ClinVar aggregate classification (germline): Benign (1 of 4 stars; one submission).

Allele frequency attached by ClinVar (database versions not stated): 1000 Genomes Project 0.00958.

Submission:

CeGaT Center for Human Genetics Tuebingen
Classification: Benign. Last evaluated: 2022-05-01. Review status: criteria provided, single submitter. Criteria: CeGaT Center For Human Genetics Tuebingen Variant Classification Criteria Version 2. Collection method: clinical testing. Allele origin: germline. Affected: yes. Observed: 2 variant alleles.
Comment: CSMD1: BS1, BS2

NM_033225.6(CSMD1):c.7856-3216G>A

Genes: CSMD1 (CUB and Sushi multiple domains 1; minus strand), LOC105377785 (uncharacterized LOC105377785; plus strand). Cytogenetic location: 8p23.2.
Variant type: single nucleotide variant.
Coding change: c.7856-3216G>A on transcript NM_033225.6 (MANE Select); 3216 bases into the intron before coding-DNA position 7856, G replaced by A.
Molecular consequence: intron variant. On other transcripts: non-coding transcript variant (5).
Genome position (GRCh38, 1-based): chr8:3,021,866, C>T on the plus strand (G>A on the coding strand, the complement: CSMD1 is on the minus strand). VCF-style: chr8-3021866-C-T. GRCh37 (hg19) VCF-style: chr8-2879388-C-T.
Identifiers: ClinVar variation 2658321 (VCV002658321.24), dbSNP rs145413750, ClinGen allele CA170627075.
Genomic context (GRCh38, chr8:3,021,866, plus strand): 5'-CACCCGCAATCCCACAGCATCCGGAATGCACCTGCAATCCCACAGCATCCGGAATGCACC[C>T]GCAATCCCACAGCGTCCGGAATGCACCTGCAATCCCACAGCATCCAGAATGCACAATCCC-3'